The following is an entry in ClinVar:

NM_004260.4(RECQL4):c.3076G>A (p.Val1026Met)

Gene: RECQL4 (RecQ like helicase 4; minus strand). Cytogenetic location: 8q24.3.
Variant type: single nucleotide variant.
Coding change: c.3076G>A on transcript NM_004260.4 (MANE Select); coding-DNA position 3076, G replaced by A.
Protein change: p.Val1026Met; replaces valine 1026 with methionine.
Molecular consequence: missense variant.
Genome position (GRCh38, 1-based): chr8:144,512,304, C>T on the plus strand (G>A on the coding strand, the complement: RECQL4 is on the minus strand). VCF-style: chr8-144512304-C-T. GRCh37 (hg19) VCF-style: chr8-145737687-C-T.
Other names: short protein forms V1026M.
Identifiers: ClinVar variation 957371 (VCV000957371.8), dbSNP rs370954099, ClinGen allele CA372670822.

ClinVar aggregate classification (germline): Uncertain significance. Review status: criteria provided, multiple submitters, no conflicts (2 of 4 stars). 2 submissions from 2 submitters: Uncertain significance (2). Last evaluated 2025-04-05.

Conditions:
Baller-Gerold syndrome (BGS). Also called: CRANIOSYNOSTOSIS WITH RADIAL DEFECTS. Identifiers: Orphanet 1225, MedGen C0265308, MONDO:0009039, OMIM 218600.
Inborn genetic diseases. Identifiers: MedGen C0950123, MeSH D030342.

gnomAD v4.1: 1 of 1,612,464 alleles (0.000062%); highest among the groups gnomAD compares: Non-Finnish European, 0.000085%; no homozygotes.

Submissions (2):

Ambry Genetics
Classification: Uncertain significance for Inborn genetic diseases. Last evaluated: 2025-04-05. Review status: criteria provided, single submitter. Criteria: Ambry Variant Classification Scheme 2023. Collection method: clinical testing. Allele origin: germline.

Labcorp Genetics (formerly Invitae), Labcorp
Classification: Uncertain significance for Baller-Gerold syndrome. Last evaluated: 2021-12-24. Review status: criteria provided, single submitter. Criteria: Invitae Variant Classification Sherloc (09022015). Collection method: clinical testing. Allele origin: germline.
Comment: In summary, the available evidence is currently insufficient to determine the role of this variant in disease. Therefore, it has been classified as a Variant of Uncertain Significance. ClinVar contains an entry for this variant (Variation ID: 957371). This variant has not been reported in the literature in individuals affected with RECQL4-related conditions. This variant is not present in population databases (gnomAD no frequency). This sequence change replaces valine, which is neutral and non-polar, with methionine, which is neutral and non-polar, at codon 1026 of the RECQL4 protein (p.Val1026Met).